The following is an entry in ClinVar:

ClinVar aggregate classification (germline): Benign (1 of 4 stars; one submission).

Allele frequency attached by ClinVar (database versions not stated): gnomAD exomes 0.00185; gnomAD 0.02219 and 0.02365; TOPMed 0.02654; 1000 Genomes Project 0.02875; 1000 Genomes Project 30x 0.02951.
gnomAD v4.1: 4,965 of 984,390 alleles (0.5%); highest among the groups gnomAD compares: African/African-American, 7.3%; 182 homozygotes.

Submission:

GeneDx
Classification: Benign. Last evaluated: 2014-04-08. Review status: criteria provided, single submitter. Criteria: GeneDx Variant Classification (06012015). Collection method: clinical testing. Allele origin: germline. Affected: yes.
Comment: This variant is considered likely benign or benign based on one or more of the following criteria: it is a conservative change, it occurs at a poorly conserved position in the protein, it is predicted to be benign by multiple in silico algorithms, and/or has population frequency not consistent with disease.

NM_032578.4(MYPN):c.903-7427G>A

Gene: MYPN (myopalladin; plus strand). Cytogenetic location: 10q21.3.
Variant type: single nucleotide variant.
Coding change: c.903-7427G>A on transcript NM_032578.4 (MANE Select); 7427 bases into the intron before coding-DNA position 903, G replaced by A.
Molecular consequence: intron variant. On other transcripts: splice donor variant (1).
Genome position (GRCh38, 1-based): chr10:68,135,513, G>A. VCF-style: chr10-68135513-G-A. GRCh37 (hg19) VCF-style: chr10-69895270-G-A.
Other names: c.903-7427G>A (NM_001256267.2); c.-167+1G>A (NM_001256268.2).
Identifiers: ClinVar variation 138412 (VCV000138412.1), dbSNP rs74878633, ClinGen allele CA333115.
Genomic context (GRCh38, chr10:68,135,513, plus strand): 5'-TTCCAGTTGCACTCTGTATATGAAGAAGAGTTACTCTGATGCTTGGAGAGAGCTGGAAAT[G>A]TGAGTAAGCAAATGTACTACTTTTTGGCTGTGTTTTAGGCCCCACATTCTTCACTTAAGA-3'